The following is an entry in ClinVar:

ClinVar aggregate classification (germline): Uncertain significance. Review status: criteria provided, multiple submitters, no conflicts (2 of 4 stars). 2 submissions from 2 submitters: Uncertain significance (2). Last evaluated 2025-03-13.

Conditions:
Hereditary spastic paraplegia 7 (SPG7). Also called: Spastic paraplegia 7; Hereditary spastic paraplegia Paraplegin type; SPASTIC PARAPLEGIA 7, AUTOSOMAL RECESSIVE, WITH OR WITHOUT CEREBELLAR ATAXIA; Autosomal recessive spastic paraplegia type 7; SPG7-related neurologic disorder. Identifiers: Orphanet 99013, MedGen C1846564, MONDO:0011803, OMIM 607259.

Allele frequency attached by ClinVar (database versions not stated): gnomAD 0.00001 and 0.00002; ExAC 0.00002; gnomAD exomes 0.00002; TOPMed 0.00004; ESP Exome Variant Server 0.00008.
gnomAD v4.1: 36 of 1,613,884 alleles (0.0022%); highest among the groups gnomAD compares: Non-Finnish European, 0.0025%; no homozygotes.

Submissions (2):

Labcorp Genetics (formerly Invitae), Labcorp
Classification: Uncertain significance for Hereditary spastic paraplegia 7. Last evaluated: 2025-03-13. Review status: criteria provided, single submitter. Criteria: Invitae Variant Classification Sherloc (09022015). Collection method: clinical testing. Allele origin: germline.
Comment: This sequence change replaces aspartic acid, which is acidic and polar, with asparagine, which is neutral and polar, at codon 765 of the SPG7 protein (p.Asp765Asn). This variant is present in population databases (rs374941242, gnomAD 0.004%). This variant has not been reported in the literature in individuals affected with SPG7-related conditions. ClinVar contains an entry for this variant (Variation ID: 1305674). Invitae Evidence Modeling of protein sequence and biophysical properties (such as structural, functional, and spatial information, amino acid conservation, physicochemical variation, residue mobility, and thermodynamic stability) indicates that this missense variant is not expected to disrupt SPG7 protein function with a negative predictive value of 80%. In summary, the available evidence is currently insufficient to determine the role of this variant in disease. Therefore, it has been classified as a Variant of Uncertain Significance.

GeneDx
Classification: Uncertain significance. Last evaluated: 2023-06-26. Review status: criteria provided, single submitter. Criteria: GeneDx Variant Classification Process June 2021. Collection method: clinical testing. Allele origin: germline. Affected: yes.
Comment: In silico analysis, which includes protein predictors and evolutionary conservation, supports that this variant does not alter protein structure/function; Identified as heterozygous in an individual with hereditary spastic paraplegia who also carried an additional nuclear variant that could explain the disease (Estiar MA et al., 2021); This variant is associated with the following publications: (PMID: 33598982)

NM_003119.4(SPG7):c.2293G>A (p.Asp765Asn)

Gene: SPG7 (SPG7 matrix AAA peptidase subunit, paraplegin; plus strand). Cytogenetic location: 16q24.3.
Variant type: single nucleotide variant.
Coding change: c.2293G>A on transcript NM_003119.4 (MANE Select); coding-DNA position 2293, G replaced by A.
Protein change: p.Asp765Asn; replaces aspartic acid 765 with asparagine.
Molecular consequence: missense variant. On other transcripts: 3 prime UTR variant (1).
Genome position (GRCh38, 1-based): chr16:89,556,998, G>A. VCF-style: chr16-89556998-G-A. GRCh37 (hg19) VCF-style: chr16-89623406-G-A.
Other names: c.*71G>A (NM_001363850.1); short protein forms D765N.
Identifiers: ClinVar variation 1305674 (VCV001305674.6), dbSNP rs374941242, ClinGen allele CA8244646.